The following is an entry in ClinVar:

ClinVar aggregate classification (germline): Uncertain significance (1 of 4 stars; one submission).

Conditions:
Developmental and epileptic encephalopathy. Identifiers: MedGen C5779964, MONDO:0100620.

Submission:

Labcorp Genetics (formerly Invitae), Labcorp
Classification: Uncertain significance for Early infantile epileptic encephalopathy. Last evaluated: 2018-05-18. Review status: criteria provided, single submitter. Criteria: Invitae Variant Classification Sherloc (09022015). Collection method: clinical testing. Allele origin: germline.
Comment: This sequence change replaces valine with isoleucine at codon 659 of the SCN1A protein (p.Val659Ile). The valine residue is highly conserved and there is a small physicochemical difference between valine and isoleucine. This variant is not present in population databases (ExAC no frequency). This variant has not been reported in the literature in individuals with SCN1A-related disease. Algorithms developed to predict the effect of missense changes on protein structure and function (SIFT, PolyPhen-2, Align-GVGD) all suggest that this variant is likely to be tolerated, but these predictions have not been confirmed by published functional studies and their clinical significance is uncertain. In summary, the available evidence is currently insufficient to determine the role of this variant in disease. Therefore, it has been classified as a Variant of Uncertain Significance.

NM_001165963.4(SCN1A):c.1975G>A (p.Val659Ile)

Gene: SCN1A (sodium voltage-gated channel alpha subunit 1; minus strand). Cytogenetic location: 2q24.3.
Variant type: single nucleotide variant.
Coding change: c.1975G>A on transcript NM_001165963.4 (MANE Select); coding-DNA position 1975, G replaced by A.
Protein change: p.Val659Ile; replaces valine 659 with isoleucine.
Molecular consequence: missense variant. On other transcripts: 5 prime UTR variant (1), non-coding transcript variant (1), intron variant (4).
Genome position (GRCh38, 1-based): chr2:166,043,737, C>T on the plus strand (G>A on the coding strand, the complement: SCN1A is on the minus strand). VCF-style: chr2-166043737-C-T. GRCh37 (hg19) VCF-style: chr2-166900247-C-T.
Other names: c.1975G>A, p.Val659Ile (NM_001202435.3, NM_001353948.2, NM_001353949.2 and 4 more transcripts); c.1972G>A, p.Val658Ile (NM_001353954.2, NM_001353955.2); c.-451G>A (NM_001353961.2); c.1959+16G>A (NM_001353958.2, NM_001353957.2, NM_001165964.3); c.1956+16G>A (NM_001353960.2); short protein forms V659I, V658I.
Identifiers: ClinVar variation 574969 (VCV000574969.2), dbSNP rs1559215483, ClinGen allele CA349067174.